The following is an entry in ClinVar:

ClinVar aggregate classification (germline): Uncertain significance (1 of 4 stars; one submission).

gnomAD v4.1: 2 of 1,613,898 alleles (0.00012%); highest among the groups gnomAD compares: Non-Finnish European, 0.00017%; no homozygotes.

Submission:

CeGaT Center for Human Genetics Tuebingen
Classification: Uncertain significance. Last evaluated: 2022-11-01. Review status: criteria provided, single submitter. Criteria: CeGaT Center For Human Genetics Tuebingen Variant Classification Criteria Version 2. Collection method: clinical testing. Allele origin: germline. Affected: yes. Observed: 1 variant allele.
Comment: SKI: PM2

NM_003036.4(SKI):c.1148C>T (p.Ser383Phe)

Gene: SKI (SKI proto-oncogene; plus strand). Cytogenetic location: 1p36.32.
Variant type: single nucleotide variant.
Coding change: c.1148C>T on transcript NM_003036.4 (MANE Select); coding-DNA position 1148, C replaced by T.
Protein change: p.Ser383Phe; replaces serine 383 with phenylalanine.
Molecular consequence: missense variant.
Genome position (GRCh38, 1-based): chr1:2,303,337, C>T. VCF-style: chr1-2303337-C-T. GRCh37 (hg19) VCF-style: chr1-2234776-C-T.
Other names: short protein forms S383F.
Identifiers: ClinVar variation 2638077 (VCV002638077.24), dbSNP rs1308352479, ClinGen allele CA337954482.